The following is an entry in ClinVar:

NM_001853.4(COL9A3):c.1368+3G>A

Gene: COL9A3 (collagen type IX alpha 3 chain; plus strand). Cytogenetic location: 20q13.33.
Variant type: single nucleotide variant.
Coding change: c.1368+3G>A on transcript NM_001853.4 (MANE Select); 3 bases into the intron after coding-DNA position 1368, G replaced by A.
Molecular consequence: intron variant.
Genome position (GRCh38, 1-based): chr20:62,833,067, G>A. VCF-style: chr20-62833067-G-A. GRCh37 (hg19) VCF-style: chr20-61464419-G-A.
Identifiers: ClinVar variation 2783557 (VCV002783557.3), dbSNP rs775090189, ClinGen allele CA9949915.

ClinVar aggregate classification (germline): Uncertain significance (1 of 4 stars; one submission).

Allele frequency attached by ClinVar (database versions not stated): ExAC 0.00001; gnomAD exomes 0.00001.
gnomAD v4.1: 6 of 1,612,454 alleles (0.00037%); highest among the groups gnomAD compares: Non-Finnish European, 0.00051%; no homozygotes.

Submission:

Labcorp Genetics (formerly Invitae), Labcorp
Classification: Uncertain significance. Last evaluated: 2023-09-24. Review status: criteria provided, single submitter. Criteria: Invitae Variant Classification Sherloc (09022015). Collection method: clinical testing. Allele origin: germline.
Comment: This variant has not been reported in the literature in individuals affected with COL9A3-related conditions. In summary, the available evidence is currently insufficient to determine the role of this variant in disease. Therefore, it has been classified as a Variant of Uncertain Significance. Variants that disrupt the consensus splice site are a relatively common cause of aberrant splicing (PMID: 17576681, 9536098). Algorithms developed to predict the effect of sequence changes on RNA splicing suggest that this variant is not likely to affect RNA splicing. This variant is present in population databases (rs775090189, gnomAD 0.0009%). This sequence change falls in intron 26 of the COL9A3 gene. It does not directly change the encoded amino acid sequence of the COL9A3 protein. It affects a nucleotide within the consensus splice site.

Literature cited by the submitters: PubMed 17576681; PubMed 9536098.